The following is an entry in ClinVar:

NM_001034853.2(RPGR):c.122C>A (p.Ser41Ter)

Gene: RPGR (retinitis pigmentosa GTPase regulator; minus strand). Cytogenetic location: Xp11.4.
Variant type: single nucleotide variant.
Coding change: c.122C>A on transcript NM_001034853.2 (MANE Select); coding-DNA position 122, C replaced by A.
Protein change: p.Ser41Ter; replaces serine 41 with a stop codon.
Molecular consequence: nonsense. On other transcripts: non-coding transcript variant (6).
Genome position (GRCh38, 1-based): chrX:38,323,431, G>T on the plus strand (C>A on the coding strand, the complement: RPGR is on the minus strand). VCF-style: chrX-38323431-G-T. GRCh37 (hg19) VCF-style: chrX-38182684-G-T.
Other names: c.122C>A, p.Ser41Ter (NM_000328.3, NM_001367245.1, NM_001367246.1 and 4 more transcripts); c.152C>A, p.Ser51Ter (NM_001367248.1); short protein forms S41*, S51*.
Identifiers: ClinVar variation 975125 (VCV000975125.3), dbSNP rs2067985937, ClinGen allele CA412745794.
Genomic context (GRCh38, chrX:38,323,431, plus strand): 5'-TGTCCTTATTCAGGATTGTAATACTAACCGGTAACAACAGCAGAATGTTCATCTCCACAT[G>T]AAAGATGTACAGGGACATCATTTTTAAACCAGAATTTACCGGGATTATTTTCAGCAAATT-3'

ClinVar aggregate classification (germline): Pathogenic/Likely pathogenic. Review status: criteria provided, multiple submitters, no conflicts (2 of 4 stars). 2 submissions from 2 submitters: Pathogenic (1); Likely pathogenic (1). Last evaluated 2025-02-07.

Conditions:
RPGR-related disorder. Also called: RPGR-related condition.

Submissions (2):

GeneDx
Classification: Pathogenic. Last evaluated: 2025-02-07. Review status: criteria provided, single submitter. Criteria: GeneDx Variant Classification Process June 2021. Collection method: clinical testing. Allele origin: germline. Affected: yes.
Comment: Has been observed in large cohort studies of patients with inherited retinal degeneration (PMID: 32037395, 34985506); Nonsense variant predicted to result in protein truncation or nonsense mediated decay in a gene for which loss of function is a known mechanism of disease; Not observed at significant frequency in large population cohorts (gnomAD); This variant is associated with the following publications: (PMID: 32037395, 34985506)

Blueprint Genetics
Classification: Likely pathogenic for RPGR-related disorders. Last evaluated: 2019-10-02. Review status: criteria provided, single submitter. Criteria: ACMG Guidelines, 2015. Collection method: clinical testing. Allele origin: germline. Affected: yes. Observed: 2 variant alleles.